The following is an entry in ClinVar:

ClinVar aggregate classification (germline): Uncertain significance (1 of 4 stars; one submission).

Conditions:
RASopathy. Also called: rasopathies; Noonan spectrum disorder. Identifiers: Orphanet 536391, MedGen C5555857, MONDO:0021060.

Allele frequency attached by ClinVar (database versions not stated): gnomAD exomes below 0.00001.
gnomAD v4.1: 2 of 1,538,616 alleles (0.00013%); highest among the groups gnomAD compares: Non-Finnish European, 0.00018%; no homozygotes.

Submission:

Labcorp Genetics (formerly Invitae), Labcorp
Classification: Uncertain significance for RASopathy. Last evaluated: 2024-01-17. Review status: criteria provided, single submitter. Criteria: Invitae Variant Classification Sherloc (09022015). Collection method: clinical testing. Allele origin: germline.
Comment: This sequence change replaces valine, which is neutral and non-polar, with isoleucine, which is neutral and non-polar, at codon 180 of the SOS1 protein (p.Val180Ile). This variant is not present in population databases (gnomAD no frequency). This variant has not been reported in the literature in individuals affected with SOS1-related conditions. Advanced modeling of protein sequence and biophysical properties (such as structural, functional, and spatial information, amino acid conservation, physicochemical variation, residue mobility, and thermodynamic stability) has been performed at Invitae for this missense variant, however the output from this modeling did not meet the statistical confidence thresholds required to predict the impact of this variant on SOS1 protein function. In summary, the available evidence is currently insufficient to determine the role of this variant in disease. Therefore, it has been classified as a Variant of Uncertain Significance.

NM_005633.4(SOS1):c.538G>A (p.Val180Ile)

Gene: SOS1 (SOS Ras/Rac guanine nucleotide exchange factor 1; minus strand). Cytogenetic location: 2p22.1.
Variant type: single nucleotide variant.
Coding change: c.538G>A on transcript NM_005633.4 (MANE Select); coding-DNA position 538, G replaced by A.
Protein change: p.Val180Ile; replaces valine 180 with isoleucine.
Molecular consequence: missense variant.
Genome position (GRCh38, 1-based): chr2:39,054,796, C>T on the plus strand (G>A on the coding strand, the complement: SOS1 is on the minus strand). VCF-style: chr2-39054796-C-T. GRCh37 (hg19) VCF-style: chr2-39281937-C-T.
Other names: c.517G>A, p.Val173Ile (NM_001382394.1); c.538G>A, p.Val180Ile (NM_001382395.1); short protein forms V180I, V173I.
Identifiers: ClinVar variation 2709883 (VCV002709883.3), dbSNP rs2465347490, ClinGen allele CA346373302.